The following is an entry in ClinVar:

NM_177438.3(DICER1):c.2612A>T (p.Asp871Val)

Gene: DICER1 (dicer 1, ribonuclease III; minus strand). Cytogenetic location: 14q32.13.
Variant type: single nucleotide variant.
Coding change: c.2612A>T on transcript NM_177438.3 (MANE Select); coding-DNA position 2612, A replaced by T.
Protein change: p.Asp871Val; replaces aspartic acid 871 with valine.
Molecular consequence: missense variant.
Genome position (GRCh38, 1-based): chr14:95,107,918, T>A on the plus strand (A>T on the coding strand, the complement: DICER1 is on the minus strand). VCF-style: chr14-95107918-T-A. GRCh37 (hg19) VCF-style: chr14-95574255-T-A.
Other names: c.2612A>T, p.Asp871Val (NM_001195573.1, NM_001271282.3, NM_001291628.2 and 1 more transcripts); short protein forms D871V.
Identifiers: ClinVar variation 477109 (VCV000477109.15), dbSNP rs1555370776, ClinGen allele CA390881336.

ClinVar aggregate classification (germline): Conflicting classifications of pathogenicity. Review status: criteria provided, conflicting classifications (1 of 4 stars). 3 submissions from 3 submitters: Uncertain significance (2); Likely benign (1). Last evaluated 2024-05-22.

Conditions:
Hereditary cancer-predisposing syndrome. Also called: Tumor predisposition; Hereditary Cancer Syndrome; Neoplastic Syndromes, Hereditary; Hereditary neoplastic syndrome. Identifiers: Orphanet 140162, MedGen C0027672, MeSH D009386, MONDO:0015356.
DICER1-related tumor predisposition. Also called: DICER1 syndrome; DICER1-related pleuropulmonary blastoma cancer predisposition syndrome. Identifiers: Orphanet 284343, MedGen C3839822, MONDO:0100216.

Allele frequency attached by ClinVar (database versions not stated): gnomAD exomes below 0.00001.
gnomAD v4.1: 2 of 1,614,134 alleles (0.00012%); highest among the groups gnomAD compares: Middle Eastern, 0.016%; no homozygotes.

Submissions (3):

Labcorp Genetics (formerly Invitae), Labcorp
Classification: Uncertain significance for DICER1-related tumor predisposition. Last evaluated: 2024-05-22. Review status: criteria provided, single submitter. Criteria: Invitae Variant Classification Sherloc (09022015). Collection method: clinical testing. Allele origin: germline.
Comment: This sequence change replaces aspartic acid, which is acidic and polar, with valine, which is neutral and non-polar, at codon 871 of the DICER1 protein (p.Asp871Val). This variant is not present in population databases (gnomAD no frequency). This variant has not been reported in the literature in individuals affected with DICER1-related conditions. ClinVar contains an entry for this variant (Variation ID: 477109). Advanced modeling of protein sequence and biophysical properties (such as structural, functional, and spatial information, amino acid conservation, physicochemical variation, residue mobility, and thermodynamic stability) performed at Invitae indicates that this missense variant is not expected to disrupt DICER1 protein function with a negative predictive value of 80%. In summary, the available evidence is currently insufficient to determine the role of this variant in disease. Therefore, it has been classified as a Variant of Uncertain Significance.

Ambry Genetics
Classification: Likely benign for Hereditary cancer-predisposing syndrome. Last evaluated: 2024-05-01. Review status: criteria provided, single submitter. Criteria: Ambry Variant Classification Scheme 2023. Collection method: clinical testing. Allele origin: germline.

Blueprint Genetics
Classification: Uncertain significance. Last evaluated: 2024-03-19. Review status: criteria provided, single submitter. Criteria: ACMG Guidelines, 2015. Collection method: clinical testing. Allele origin: germline.